The following is an entry in ClinVar:

NM_024675.4(PALB2):c.1633G>A (p.Glu545Lys)

Gene: PALB2 (partner and localizer of BRCA2; minus strand). Cytogenetic location: 16p12.2.
Variant type: single nucleotide variant.
Coding change: c.1633G>A on transcript NM_024675.4 (MANE Select); coding-DNA position 1633, G replaced by A.
Protein change: p.Glu545Lys; replaces glutamic acid 545 with lysine.
Molecular consequence: missense variant.
Genome position (GRCh38, 1-based): chr16:23,634,913, C>T on the plus strand (G>A on the coding strand, the complement: PALB2 is on the minus strand). VCF-style: chr16-23634913-C-T. GRCh37 (hg19) VCF-style: chr16-23646234-C-T.
Other names: short protein forms E545K.
Identifiers: ClinVar variation 486006 (VCV000486006.7), dbSNP rs180177103, ClinGen allele CA395130241.

ClinVar aggregate classification (germline): Uncertain significance. Review status: criteria provided, multiple submitters, no conflicts (2 of 4 stars). 2 submissions from 2 submitters: Uncertain significance (2). Last evaluated 2018-11-03.

Conditions:
Hereditary cancer-predisposing syndrome. Also called: Tumor predisposition; Hereditary Cancer Syndrome; Hereditary neoplastic syndrome; Neoplastic Syndromes, Hereditary. Identifiers: Orphanet 140162, MedGen C0027672, MeSH D009386, MONDO:0015356.

Submissions (2):

Color Diagnostics, LLC DBA Color Health
Classification: Uncertain significance for Hereditary cancer-predisposing syndrome. Last evaluated: 2018-11-03. Review status: criteria provided, single submitter. Criteria: ACMG Guidelines, 2015. Collection method: clinical testing. Allele origin: germline.

Ambry Genetics
Classification: Uncertain significance for Hereditary cancer-predisposing syndrome. Last evaluated: 2018-09-26. Review status: criteria provided, single submitter. Criteria: Ambry Variant Classification Scheme 2023. Collection method: clinical testing. Allele origin: germline.
Comment: The p.E545K variant (also known as c.1633G>A), located in coding exon 4 of the PALB2 gene, results from a G to A substitution at nucleotide position 1633. The glutamic acid at codon 545 is replaced by lysine, an amino acid with similar properties. This amino acid position is not well conserved in available vertebrate species. In addition, this alteration is predicted to be tolerated by in silico analysis. Since supporting evidence is limited at this time, the clinical significance of this alteration remains unclear.